The following is an entry in ClinVar:

NM_181332.3(NLGN4X):c.124C>A (p.Gln42Lys)

Gene: NLGN4X (neuroligin 4 X-linked; minus strand). Cytogenetic location: Xp22.31.
Variant type: single nucleotide variant.
Coding change: c.124C>A on transcript NM_181332.3 (MANE Select); coding-DNA position 124, C replaced by A.
Protein change: p.Gln42Lys; replaces glutamine 42 with lysine.
Molecular consequence: missense variant.
Genome position (GRCh38, 1-based): chrX:6,151,343, G>T on the plus strand (C>A on the coding strand, the complement: NLGN4X is on the minus strand). VCF-style: chrX-6151343-G-T. GRCh37 (hg19) VCF-style: chrX-6069384-G-T.
Other names: c.124C>A, p.Gln42Lys (NM_001282145.2, NM_001282146.2, NM_001441322.1 and 4 more transcripts); short protein forms Q42K.
Identifiers: ClinVar variation 4861077 (VCV004861077.1).

ClinVar aggregate classification (germline): Uncertain significance (1 of 4 stars; one submission).

Conditions:
Inborn genetic diseases. Identifiers: MedGen C0950123, MeSH D030342.

Submission:

Ambry Genetics
Classification: Uncertain significance for Inborn genetic diseases. Last evaluated: 2026-04-20. Review status: criteria provided, single submitter. Criteria: Ambry Variant Classification Scheme 2023. Collection method: clinical testing. Allele origin: germline.
Comment: The c.124C>A (p.Q42K) alteration is located in exon 2 (coding exon 1) of the NLGN4X gene. This alteration results from a C to A substitution at nucleotide position 124, causing the glutamine (Q) at amino acid position 42 to be replaced by a lysine (K). Based on data from gnomAD, the A allele has an overall frequency of <0.001% (1/183488) total alleles studied. The highest observed frequency was 0.001% (1/81928) of European (non-Finnish) alleles. Based on insufficient or conflicting evidence, the clinical significance of this alteration remains unclear.